The following is an entry in ClinVar:

ClinVar aggregate classification (germline): Uncertain significance (1 of 4 stars; one submission).

Allele frequency attached by ClinVar (database versions not stated): ExAC 0.00002; gnomAD 0.00003; gnomAD exomes 0.00001; TOPMed 0.00001.
gnomAD v4.1: 4 of 1,613,918 alleles (0.00025%); highest among the groups gnomAD compares: African/African-American, 0.0053%; no homozygotes.

Submission:

Labcorp Genetics (formerly Invitae), Labcorp
Classification: Uncertain significance. Last evaluated: 2024-10-16. Review status: criteria provided, single submitter. Criteria: Invitae Variant Classification Sherloc (09022015). Collection method: clinical testing. Allele origin: germline.
Comment: This sequence change replaces glycine, which is neutral and non-polar, with glutamic acid, which is acidic and polar, at codon 129 of the RDH11 protein (p.Gly129Glu). This variant is present in population databases (rs747093527, gnomAD 0.01%). This variant has not been reported in the literature in individuals affected with RDH11-related conditions. ClinVar contains an entry for this variant (Variation ID: 1019725). An algorithm developed to predict the effect of missense changes on protein structure and function (PolyPhen-2) suggests that this variant is likely to be disruptive. In summary, the available evidence is currently insufficient to determine the role of this variant in disease. Therefore, it has been classified as a Variant of Uncertain Significance.

NM_016026.4(RDH11):c.386G>A (p.Gly129Glu)

Genes: GPHN (gephyrin; plus strand), RDH11 (retinol dehydrogenase 11; minus strand). Cytogenetic location: 14q24.1.
Variant type: single nucleotide variant.
Coding change: c.386G>A on transcript NM_016026.4 (MANE Select); coding-DNA position 386, G replaced by A.
Protein change: p.Gly129Glu; replaces glycine 129 with glutamic acid.
Molecular consequence: missense variant.
Genome position (GRCh38, 1-based): chr14:67,691,208, C>T on the plus strand (G>A on the coding strand, the complement: RDH11 is on the minus strand). VCF-style: chr14-67691208-C-T. GRCh37 (hg19) VCF-style: chr14-68157925-C-T.
Other names: c.386G>A, p.Gly129Glu (NM_001252650.2); short protein forms G129E.
Identifiers: ClinVar variation 1019725 (VCV001019725.8), dbSNP rs747093527, ClinGen allele CA7238408.